The following is an entry in ClinVar:

ClinVar aggregate classification (germline): Likely benign (1 of 4 stars; one submission).

Submission:

GeneDx
Classification: Likely benign. Last evaluated: 2018-04-13. Review status: criteria provided, single submitter. Criteria: GeneDx Variant Classification (06012015). Collection method: clinical testing. Allele origin: germline. Affected: yes.
Comment: This variant is considered likely benign or benign based on one or more of the following criteria: it is a conservative change, it occurs at a poorly conserved position in the protein, it is predicted to be benign by multiple in silico algorithms, and/or has population frequency not consistent with disease.

NM_001267550.2(TTN):c.77697A>G (p.Lys25899=)

Genes: TTN (titin; minus strand), TTN-AS1 (TTN antisense RNA 1; plus strand). Cytogenetic location: 2q31.2.
Variant type: single nucleotide variant.
Coding change: c.77697A>G on transcript NM_001267550.2 (MANE Select); coding-DNA position 77697, A replaced by G.
Protein change: p.Lys25899=; no amino-acid change (lysine 25899 retained).
Molecular consequence: synonymous variant.
Genome position (GRCh38, 1-based): chr2:178,568,435, T>C on the plus strand (A>G on the coding strand, the complement: TTN is on the minus strand). VCF-style: chr2-178568435-T-C. GRCh37 (hg19) VCF-style: chr2-179433162-T-C.
Other names: c.72774A>G, p.Lys24258= (NM_001256850.1); c.50502A>G, p.Lys16834= (NM_003319.4); c.69993A>G, p.Lys23331= (NM_133378.4); c.50877A>G, p.Lys16959= (NM_133432.3); c.51078A>G, p.Lys17026= (NM_133437.4).
Identifiers: ClinVar variation 682201 (VCV000682201.1), dbSNP rs1575707792, ClinGen allele CA430253457.
Genomic context (GRCh38, chr2:178,568,435, plus strand): 5'-CCCTGTATATAATGGAGGGTTCCAAGATAATGTAATACTTTCAGCACTGACGTCATCAAA[T>C]TTAACAGGTCCTTTTGGAGGATCAGGTTTATCTAGAGTTACAATTTCGATGGATGCTGTC-3'
Protein context (NP_001254479.2, residues 25889-25909): DKPDPPKGPV[Lys25899=]FDDVSAESIT